The following is an entry in ClinVar:

ClinVar aggregate classification (germline): Uncertain significance (1 of 4 stars; one submission).

Conditions:
POMC-related disorder. Also called: POMC-related disorders; POMC-related condition.

gnomAD v4.1: 2 of 1,613,962 alleles (0.00012%); highest among the groups gnomAD compares: Non-Finnish European, 0.00017%; no homozygotes.

Submission:

PreventionGenetics, part of Exact Sciences
Classification: Uncertain significance for POMC-related condition. Last evaluated: 2025-01-06. Review status: criteria provided, single submitter. Criteria: ACMG Guidelines, 2015. Collection method: clinical testing. Allele origin: germline.
Comment: The POMC c.771C>T variant is not predicted to result in an amino acid change (p.=). To our knowledge, this variant has not been reported in the literature. This variant is reported in 0.00088% of alleles in individuals of European (Non-Finnish) descent in gnomAD. At this time, the clinical significance of this variant is uncertain due to the absence of conclusive functional and genetic evidence.

NM_000939.4(POMC):c.771C>T (p.Ala257=)

Gene: POMC (proopiomelanocortin; minus strand). Cytogenetic location: 2p23.3.
Variant type: single nucleotide variant.
Coding change: c.771C>T on transcript NM_000939.4 (MANE Select); coding-DNA position 771, C replaced by T.
Protein change: p.Ala257=; no amino-acid change (alanine 257 retained).
Molecular consequence: synonymous variant.
Genome position (GRCh38, 1-based): chr2:25,161,114, G>A on the plus strand (C>T on the coding strand, the complement: POMC is on the minus strand). VCF-style: chr2-25161114-G-A. GRCh37 (hg19) VCF-style: chr2-25383983-G-A.
Other names: c.771C>T, p.Ala257= (NM_001035256.3, NM_001319204.2, NM_001319205.2).
Identifiers: ClinVar variation 4988283 (VCV004988283.1).